The following is an entry in ClinVar:

ClinVar aggregate classification (germline): Likely benign (1 of 4 stars; one submission).

Conditions:
MKKS-related disorder. Also called: MKKS-related disorders; MKKS-related condition.

gnomAD v4.1: 2 of 1,549,218 alleles (0.00013%); highest among the groups gnomAD compares: Non-Finnish European, 0.00018%; no homozygotes.

Submission:

PreventionGenetics, part of Exact Sciences
Classification: Likely benign for MKKS-related condition. Last evaluated: 2025-12-20. Review status: criteria provided, single submitter. Criteria: ACMG Guidelines, 2015. Collection method: clinical testing. Allele origin: germline.
Comment: This variant is classified as likely benign based on ACMG/AMP sequence variant interpretation guidelines (Richards et al. 2015 PMID: 25741868, with internal and published modifications).

NM_170784.3(MKKS):c.1273-26T>C

Gene: MKKS (MKKS centrosomal shuttling protein; minus strand). Cytogenetic location: 20p12.2.
Variant type: single nucleotide variant.
Coding change: c.1273-26T>C on transcript NM_170784.3 (MANE Select); 26 bases into the intron before coding-DNA position 1273, T replaced by C.
Molecular consequence: intron variant.
Genome position (GRCh38, 1-based): chr20:10,405,713, A>G on the plus strand (T>C on the coding strand, the complement: MKKS is on the minus strand). VCF-style: chr20-10405713-A-G. GRCh37 (hg19) VCF-style: chr20-10386361-A-G.
Other names: c.1273-26T>C (NM_018848.3).
Identifiers: ClinVar variation 5002051 (VCV005002051.1).